The following is an entry in ClinVar:

NM_002430.3(MN1):c.2004G>A (p.Pro668=)

Gene: MN1 (MN1 proto-oncogene, transcriptional regulator; minus strand). Cytogenetic location: 22q12.1.
Variant type: single nucleotide variant.
Coding change: c.2004G>A on transcript NM_002430.3 (MANE Select); coding-DNA position 2004, G replaced by A.
Protein change: p.Pro668=; no amino-acid change (proline 668 retained).
Molecular consequence: synonymous variant.
Genome position (GRCh38, 1-based): chr22:27,798,540, C>T on the plus strand (G>A on the coding strand, the complement: MN1 is on the minus strand). VCF-style: chr22-27798540-C-T. GRCh37 (hg19) VCF-style: chr22-28194528-C-T.
Identifiers: ClinVar variation 3043302 (VCV003043302.2), dbSNP rs767706406, ClinGen allele CA10166303.
Genomic context (GRCh38, chr22:27,798,540, plus strand): 5'-TCCGGGCATCCTCATCGGCTCCTGCAGAGGGCCCCGGAACAGCACCCCCGAGCCACCAGG[C>T]GGAGGAGGGGGCGCCAGGCTGGGGTCGTGCGGGCCACAGTCAGCGGGCAGACCCGAGCCG-3'
Protein context (NP_002421.3, residues 658-678): PHDPSLAPPP[Pro668=]PGGSGVLFRG

ClinVar aggregate classification (germline): Likely benign (0 of 4 stars; one submission).

Conditions:
MN1-related disorder. Also called: MN1-related condition.

Allele frequency attached by ClinVar (database versions not stated): gnomAD 0.00001; TOPMed 0.00002; ExAC 0.00019.
gnomAD v4.1: 25 of 1,520,074 alleles (0.0016%); highest among the groups gnomAD compares: Middle Eastern, 0.052%; 1 homozygote.

Submission:

PreventionGenetics, part of Exact Sciences
Classification: Likely benign for MN1-related condition. Last evaluated: 2022-08-16. Review status: no assertion criteria provided. Collection method: clinical testing. Allele origin: germline.
Comment: This variant is classified as likely benign based on ACMG/AMP sequence variant interpretation guidelines (Richards et al. 2015 PMID: 25741868, with internal and published modifications).